The following is an entry in ClinVar:

NM_001142966.3(GREB1L):c.3969+5G>A

Gene: GREB1L (GREB1 like retinoic acid receptor coactivator; plus strand). Cytogenetic location: 18q11.2.
Variant type: single nucleotide variant.
Coding change: c.3969+5G>A on transcript NM_001142966.3 (MANE Select); 5 bases into the intron after coding-DNA position 3969, G replaced by A.
Molecular consequence: intron variant.
Genome position (GRCh38, 1-based): chr18:21,500,311, G>A. VCF-style: chr18-21500311-G-A. GRCh37 (hg19) VCF-style: chr18-19080272-G-A.
Other names: c.4098+5G>A (NM_001410867.1); c.3642+5G>A (NM_001410868.1).
Identifiers: ClinVar variation 3014170 (VCV003014170.3), dbSNP rs926468919, ClinGen allele CA296945089.

ClinVar aggregate classification (germline): Uncertain significance (1 of 4 stars; one submission).

Allele frequency attached by ClinVar (database versions not stated): gnomAD exomes 0.00001; TOPMed 0.00001.
gnomAD v4.1: 16 of 1,163,364 alleles (0.0014%); highest among the groups gnomAD compares: Admixed American, 0.01%; no homozygotes.

Submission:

Labcorp Genetics (formerly Invitae), Labcorp
Classification: Uncertain significance. Last evaluated: 2023-02-02. Review status: criteria provided, single submitter. Criteria: Invitae Variant Classification Sherloc (09022015). Collection method: clinical testing. Allele origin: germline.
Comment: This sequence change falls in intron 22 of the GREB1L gene. It does not directly change the encoded amino acid sequence of the GREB1L protein. It affects a nucleotide within the consensus splice site. This variant is present in population databases (no rsID available, gnomAD 0.01%). This variant has not been reported in the literature in individuals affected with GREB1L-related conditions. Variants that disrupt the consensus splice site are a relatively common cause of aberrant splicing (PMID: 17576681, 9536098). Algorithms developed to predict the effect of sequence changes on RNA splicing suggest that this variant may create or strengthen a splice site. In summary, the available evidence is currently insufficient to determine the role of this variant in disease. Therefore, it has been classified as a Variant of Uncertain Significance.

Literature cited by the submitters: PubMed 17576681; PubMed 9536098.